The following is an entry in ClinVar:

NM_012073.5(CCT5):c.814G>A (p.Glu272Lys)

Gene: CCT5 (chaperonin containing TCP1 subunit 5; plus strand). Cytogenetic location: 5p15.2.
Variant type: single nucleotide variant.
Coding change: c.814G>A on transcript NM_012073.5 (MANE Select); coding-DNA position 814, G replaced by A.
Protein change: p.Glu272Lys; replaces glutamic acid 272 with lysine.
Molecular consequence: missense variant.
Genome position (GRCh38, 1-based): chr5:10,258,476, G>A. VCF-style: chr5-10258476-G-A. GRCh37 (hg19) VCF-style: chr5-10258588-G-A.
Other names: c.751G>A, p.Glu251Lys (NM_001306153.1); c.649G>A, p.Glu217Lys (NM_001306154.2); c.535G>A, p.Glu179Lys (NM_001306155.2); c.700G>A, p.Glu234Lys (NM_001306156.2); short protein forms E217K, E179K, E251K, E234K, E272K.
Identifiers: ClinVar variation 2911144 (VCV002911144.3), dbSNP rs781347459, ClinGen allele CA3198172.

ClinVar aggregate classification (germline): Uncertain significance (1 of 4 stars; one submission).

Conditions:
Hereditary sensory and autonomic neuropathy with spastic paraplegia (HSNSP). Identifiers: Orphanet 139578, MedGen C1850395, MONDO:0009748, OMIM 256840.

Allele frequency attached by ClinVar (database versions not stated): gnomAD 0.00001; TOPMed 0.00001; ExAC 0.00002; gnomAD exomes 0.00002.
gnomAD v4.1: 27 of 1,613,966 alleles (0.0017%); highest among the groups gnomAD compares: Admixed American, 0.005%; no homozygotes.

Submission:

Labcorp Genetics (formerly Invitae), Labcorp
Classification: Uncertain significance for Hereditary sensory and autonomic neuropathy with spastic paraplegia. Last evaluated: 2023-11-27. Review status: criteria provided, single submitter. Criteria: Invitae Variant Classification Sherloc (09022015). Collection method: clinical testing. Allele origin: germline.
Comment: This sequence change replaces glutamic acid, which is acidic and polar, with lysine, which is basic and polar, at codon 272 of the CCT5 protein (p.Glu272Lys). This variant is present in population databases (rs781347459, gnomAD 0.01%). This variant has not been reported in the literature in individuals affected with CCT5-related conditions. Advanced modeling of protein sequence and biophysical properties (such as structural, functional, and spatial information, amino acid conservation, physicochemical variation, residue mobility, and thermodynamic stability) performed at Invitae indicates that this missense variant is not expected to disrupt CCT5 protein function with a negative predictive value of 80%. In summary, the available evidence is currently insufficient to determine the role of this variant in disease. Therefore, it has been classified as a Variant of Uncertain Significance.